The following is an entry in ClinVar:

ClinVar aggregate classification (germline): Likely benign. Review status: criteria provided, multiple submitters, no conflicts (2 of 4 stars). 2 submissions from 2 submitters: Likely benign (2). Last evaluated 2024-10-23.

Conditions:
Shprintzen-Goldberg syndrome (SGS). Also called: CRANIOSYNOSTOSIS WITH ARACHNODACTYLY AND ABDOMINAL HERNIAS; Marfanoid disorder with craniosynostosis type 1; Marfanoid craniosynostosis syndrome; Shprintzen-Goldberg marfanoid syndrome; SHPRINTZEN-GOLDBERG CRANIOSYNOSTOSIS SYNDROME. Identifiers: Orphanet 2462, MedGen C1321551, MONDO:0008426, OMIM 182212.

Allele frequency attached by ClinVar (database versions not stated): TOPMed 0.00002; ExAC 0.00002; gnomAD 0.00001; gnomAD exomes 0.00001.
gnomAD v4.1: 12 of 1,613,260 alleles (0.00074%); highest among the groups gnomAD compares: Admixed American, 0.0067%; no homozygotes.

Submissions (2):

Labcorp Genetics (formerly Invitae), Labcorp
Classification: Likely benign for Shprintzen-Goldberg syndrome. Last evaluated: 2024-10-23. Review status: criteria provided, single submitter. Criteria: Invitae Variant Classification Sherloc (09022015). Collection method: clinical testing. Allele origin: germline.

GeneDx
Classification: Likely benign. Last evaluated: 2018-01-02. Review status: criteria provided, single submitter. Criteria: GeneDx Variant Classification (06012015). Collection method: clinical testing. Allele origin: germline. Affected: yes.
Comment: This variant is considered likely benign or benign based on one or more of the following criteria: it is a conservative change, it occurs at a poorly conserved position in the protein, it is predicted to be benign by multiple in silico algorithms, and/or has population frequency not consistent with disease.

NM_003036.4(SKI):c.970-10T>C

Gene: SKI (SKI proto-oncogene; plus strand). Cytogenetic location: 1p36.32.
Variant type: single nucleotide variant.
Coding change: c.970-10T>C on transcript NM_003036.4 (MANE Select); 10 bases into the intron before coding-DNA position 970, T replaced by C.
Molecular consequence: intron variant.
Genome position (GRCh38, 1-based): chr1:2,302,968, T>C. VCF-style: chr1-2302968-T-C. GRCh37 (hg19) VCF-style: chr1-2234407-T-C.
Identifiers: ClinVar variation 514455 (VCV000514455.4), dbSNP rs750601690, ClinGen allele CA536511.